The following is an entry in ClinVar:

ClinVar aggregate classification (germline): Uncertain significance (1 of 4 stars; one submission).

Conditions:
Rhabdoid tumor predisposition syndrome 2 (RTPS2). Identifiers: Orphanet 231108, Orphanet 69077, MedGen C2750074, MONDO:0013224, OMIM 613325.

gnomAD v4.1: 1 of 1,613,624 alleles (0.000062%); highest among the groups gnomAD compares: African/African-American, 0.0013%; no homozygotes.

Submission:

Labcorp Genetics (formerly Invitae), Labcorp
Classification: Uncertain significance for Rhabdoid tumor predisposition syndrome 2. Last evaluated: 2024-07-23. Review status: criteria provided, single submitter. Criteria: Invitae Variant Classification Sherloc (09022015). Collection method: clinical testing. Allele origin: germline.
Comment: This sequence change replaces leucine, which is neutral and non-polar, with arginine, which is basic and polar, at codon 8 of the SMARCA4 protein (p.Leu8Arg). This variant is not present in population databases (gnomAD no frequency). This variant has not been reported in the literature in individuals affected with SMARCA4-related conditions. Advanced modeling of protein sequence and biophysical properties (such as structural, functional, and spatial information, amino acid conservation, physicochemical variation, residue mobility, and thermodynamic stability) performed at Invitae indicates that this missense variant is not expected to disrupt SMARCA4 protein function with a negative predictive value of 95%. In summary, the available evidence is currently insufficient to determine the role of this variant in disease. Therefore, it has been classified as a Variant of Uncertain Significance.

NM_003072.5(SMARCA4):c.23T>G (p.Leu8Arg)

Gene: SMARCA4 (SWI/SNF related BAF chromatin remodeling complex subunit ATPase 4; plus strand). Cytogenetic location: 19p13.2.
Variant type: single nucleotide variant.
Coding change: c.23T>G on transcript NM_003072.5 (MANE Select); coding-DNA position 23, T replaced by G.
Protein change: p.Leu8Arg; replaces leucine 8 with arginine.
Molecular consequence: missense variant. On other transcripts: non-coding transcript variant (1).
Genome position (GRCh38, 1-based): chr19:10,984,174, T>G. VCF-style: chr19-10984174-T-G. GRCh37 (hg19) VCF-style: chr19-11094850-T-G.
Other names: c.23T>G, p.Leu8Arg (NM_001128844.3, NM_001128845.2, NM_001128846.2 and 6 more transcripts); short protein forms L8R.
Identifiers: ClinVar variation 3636816 (VCV003636816.2).